The following is an entry in ClinVar:

ClinVar aggregate classification (germline): Benign. Review status: criteria provided, multiple submitters, no conflicts (2 of 4 stars). 2 submissions from 2 submitters: Benign (2). Last evaluated 2018-06-14.

Allele frequency attached by ClinVar (database versions not stated): 1000 Genomes Project 0.02975; gnomAD 0.03035; 1000 Genomes Project 30x 0.03170; TOPMed 0.03200.
gnomAD v4.1: 4,277 of 152,190 alleles (2.8%); highest among the groups gnomAD compares: African/African-American, 9.8%; 191 homozygotes.

Submissions (2):

GeneDx
Classification: Benign. Last evaluated: 2018-06-14. Review status: criteria provided, single submitter. Criteria: GeneDx Variant Classification (06012015). Collection method: clinical testing. Allele origin: germline. Affected: yes.
Comment: This variant is considered likely benign or benign based on one or more of the following criteria: it is a conservative change, it occurs at a poorly conserved position in the protein, it is predicted to be benign by multiple in silico algorithms, and/or has population frequency not consistent with disease.

Breakthrough Genomics
Classification: Benign. Review status: criteria provided, single submitter. Criteria: ACMG Guidelines, 2015. Collection method: not provided. Allele origin: germline. Inheritance: Autosomal dominant inheritance. Affected: yes.

NM_001130438.3(SPTAN1):c.5358-214C>T

Gene: SPTAN1 (spectrin alpha, non-erythrocytic 1; plus strand). Cytogenetic location: 9q34.11.
Variant type: single nucleotide variant.
Coding change: c.5358-214C>T on transcript NM_001130438.3 (MANE Select); 214 bases into the intron before coding-DNA position 5358, C replaced by T.
Molecular consequence: intron variant.
Genome position (GRCh38, 1-based): chr9:128,617,426, C>T. VCF-style: chr9-128617426-C-T. GRCh37 (hg19) VCF-style: chr9-131379705-C-T.
Other names: c.5358-214C>T (NM_001363759.2); c.5343-214C>T (NM_003127.4); c.5298-214C>T (NM_001363765.2); c.5283-214C>T (NM_001195532.2).
Identifiers: ClinVar variation 677354 (VCV000677354.2), dbSNP rs76393340, ClinGen allele CA200401507.